The following is an entry in ClinVar:

ClinVar aggregate classification (germline): Uncertain significance (1 of 4 stars; one submission).

gnomAD v4.1: 1 of 1,613,892 alleles (0.000062%); highest among the groups gnomAD compares: African/African-American, 0.0013%; no homozygotes.

Submission:

GeneDx
Classification: Uncertain significance. Last evaluated: 2024-12-08. Review status: criteria provided, single submitter. Criteria: GeneDx Variant Classification Process June 2021. Collection method: clinical testing. Allele origin: germline. Affected: yes.
Comment: Not observed at significant frequency in large population cohorts (gnomAD); In silico analysis supports that this missense variant has a deleterious effect on protein structure/function; Has not been previously published as pathogenic or benign to our knowledge

NM_015559.3(SETBP1):c.154G>C (p.Gly52Arg)

Gene: SETBP1 (SET binding protein 1; plus strand). Cytogenetic location: 18q12.3.
Variant type: single nucleotide variant.
Coding change: c.154G>C on transcript NM_015559.3 (MANE Select); coding-DNA position 154, G replaced by C.
Protein change: p.Gly52Arg; replaces glycine 52 with arginine.
Molecular consequence: missense variant.
Genome position (GRCh38, 1-based): chr18:44,701,500, G>C. VCF-style: chr18-44701500-G-C. GRCh37 (hg19) VCF-style: chr18-42281465-G-C.
Other names: c.154G>C, p.Gly52Arg (NM_001130110.2, NM_001379141.1, NM_001379142.1 and 1 more transcripts); short protein forms G52R.
Identifiers: ClinVar variation 3901466 (VCV003901466.1).